The following is an entry in ClinVar:

ClinVar aggregate classification (germline): Uncertain significance (1 of 4 stars; one submission).

Allele frequency attached by ClinVar (database versions not stated): ESP Exome Variant Server 0.00008.

Submission:

Labcorp Genetics (formerly Invitae), Labcorp
Classification: Uncertain significance. Last evaluated: 2024-10-29. Review status: criteria provided, single submitter. Criteria: Invitae Variant Classification Sherloc (09022015). Collection method: clinical testing. Allele origin: germline.
Comment: This sequence change replaces aspartic acid, which is acidic and polar, with glycine, which is neutral and non-polar, at codon 259 of the NDE1 protein (p.Asp259Gly). This variant is not present in population databases (gnomAD no frequency). This variant has not been reported in the literature in individuals affected with NDE1-related conditions. ClinVar contains an entry for this variant (Variation ID: 1522773). Invitae Evidence Modeling of protein sequence and biophysical properties (such as structural, functional, and spatial information, amino acid conservation, physicochemical variation, residue mobility, and thermodynamic stability) indicates that this missense variant is not expected to disrupt NDE1 protein function with a negative predictive value of 80%. In summary, the available evidence is currently insufficient to determine the role of this variant in disease. Therefore, it has been classified as a Variant of Uncertain Significance.

NM_017668.3(NDE1):c.776A>G (p.Asp259Gly)

Gene: NDE1 (nudE neurodevelopment protein 1; plus strand). Cytogenetic location: 16p13.11.
Variant type: single nucleotide variant.
Coding change: c.776A>G on transcript NM_017668.3 (MANE Select); coding-DNA position 776, A replaced by G.
Protein change: p.Asp259Gly; replaces aspartic acid 259 with glycine.
Molecular consequence: missense variant.
Genome position (GRCh38, 1-based): chr16:15,694,237, A>G. VCF-style: chr16-15694237-A-G. GRCh37 (hg19) VCF-style: chr16-15788094-A-G.
Other names: c.776A>G, p.Asp259Gly (NM_001143979.2); short protein forms D259G.
Identifiers: ClinVar variation 1522773 (VCV001522773.6), dbSNP rs376742436, ClinGen allele CA278621964.